The following is an entry in ClinVar:

NM_001134407.3(GRIN2A):c.3427G>A (p.Glu1143Lys)

Gene: GRIN2A (glutamate ionotropic receptor NMDA type subunit 2A; minus strand). Cytogenetic location: 16p13.2.
Variant type: single nucleotide variant.
Coding change: c.3427G>A on transcript NM_001134407.3 (MANE Select); coding-DNA position 3427, G replaced by A.
Protein change: p.Glu1143Lys; replaces glutamic acid 1143 with lysine.
Molecular consequence: missense variant.
Genome position (GRCh38, 1-based): chr16:9,764,117, C>T on the plus strand (G>A on the coding strand, the complement: GRIN2A is on the minus strand). VCF-style: chr16-9764117-C-T. GRCh37 (hg19) VCF-style: chr16-9857974-C-T.
Other names: c.3427G>A, p.Glu1143Lys (NM_000833.5, NM_001134408.2); short protein forms E1143K.
Identifiers: ClinVar variation 321604 (VCV000321604.8), dbSNP rs61758996, ClinGen allele CA7896318.
Genomic context (GRCh38, chr16:9,764,117, plus strand): 5'-AGTCCCCCTTGCGGAAGTTTTCACTGGGATCCTGGTAGGGGTCCGGGAAGTCCACGTTCT[C>T]GGGCAGGGTCACATTTTCAACAAACTGGGGTGGATCTAAGTGGAAACCAGGCTCCTTCTC-3'
Protein context (NP_001127879.1, residues 1133-1153): PQFVENVTLP[Glu1143Lys]NVDFPDPYQD

ClinVar aggregate classification (germline): Conflicting classifications of pathogenicity. Review status: criteria provided, conflicting classifications (1 of 4 stars). 3 submissions from 3 submitters: Uncertain significance (1); Benign (1); Likely benign (1). Last evaluated 2025-02-04.

Conditions:
Landau-Kleffner syndrome (FESD). Also called: EPILEPSY, FOCAL, WITH SPEECH DISORDER AND WITH OR WITHOUT MENTAL RETARDATION; APHASIA, ACQUIRED, WITH EPILEPSY. Identifiers: Orphanet 1945, Orphanet 725, Orphanet 98818, MedGen C0282512, MONDO:0009509, OMIM 245570.

Allele frequency attached by ClinVar (database versions not stated): 1000 Genomes Project 0.00020; gnomAD exomes 0.00002 and 0.00004; TOPMed 0.00003; gnomAD 0.00001; ExAC 0.00005; 1000 Genomes Project 30x 0.00031.
gnomAD v4.1: 27 of 1,613,652 alleles (0.0017%); highest among the groups gnomAD compares: East Asian, 0.038%; no homozygotes.

Submissions (3):

Labcorp Genetics (formerly Invitae), Labcorp
Classification: Likely benign for Landau-Kleffner syndrome. Last evaluated: 2025-02-04. Review status: criteria provided, single submitter. Criteria: Invitae Variant Classification Sherloc (09022015). Collection method: clinical testing. Allele origin: germline.

Revvity Omics, Revvity
Classification: Uncertain significance for Landau-Kleffner syndrome. Last evaluated: 2019-10-12. Review status: criteria provided, single submitter. Criteria: ACMG Guidelines, 2015. Collection method: clinical testing. Allele origin: germline.

Illumina Laboratory Services, Illumina
Classification: Benign for Landau-Kleffner syndrome. Last evaluated: 2018-01-13. Review status: criteria provided, single submitter. Criteria: ICSL Variant Classification Criteria 13 December 2019. Collection method: clinical testing. Allele origin: germline.
Comment: This variant was observed in the ICSL laboratory as part of a predisposition screen in an ostensibly healthy population. It had not been previously curated by ICSL or reported in the Human Gene Mutation Database (HGMD: prior to June 1st, 2018), and was therefore a candidate for classification through an automated scoring system. Utilizing variant allele frequency, disease prevalence and penetrance estimates, and inheritance mode, an automated score was calculated to assess if this variant is too frequent to cause the disease. Based on the score and internal cut-off values, a variant classified as benign is not then subjected to further curation. The score for this variant resulted in a classification of benign for this disease.